The following is an entry in ClinVar:

NM_002225.5(IVD):c.526_527del (p.Met176fs)

Gene: IVD (isovaleryl-CoA dehydrogenase; plus strand). Cytogenetic location: 15q15.1.
Variant type: Deletion.
Coding change: c.526_527del on transcript NM_002225.5 (MANE Select); coding-DNA positions 526 to 527, 2 bases deleted (AT; older notation c.526_527delAT).
Protein change: p.Met176fs; shifts the reading frame from methionine 176.
Molecular consequence: frameshift variant. On other transcripts: non-coding transcript variant (1).
Genome position (GRCh38, 1-based): chr15:40,411,329-40,411,330, AT deleted; deleting any 2 consecutive bases within chr15:40,411,328-40,411,330 gives the same sequence; the c. name uses the placement nearest the transcript's 3' end. VCF-style (leftmost placement, unchanged base first): chr15-40411327-CTA-C. GRCh37 (hg19) VCF-style: chr15-40703526-CTA-C.
Other names: c.436_437del, p.Met146fs (NM_001159508.3); c.478_479del, p.Met160fs (NM_001354597.3); c.526_527del, p.Met176fs (NM_001354598.3, NM_001354601.3); c.613_614del, p.Met205fs (NM_001354599.3, NM_001354600.3); short protein forms M146fs, M160fs, M176fs, M205fs.
Identifiers: ClinVar variation 5013752 (VCV005013752.1).
Genomic context (GRCh38, chr15:40,411,327, plus strand): 5'-GTGGTGAGTACATCGGAGCCCTGGCCATGAGTGAGCCCAATGCAGGCTCTGATGTTGTCT[CTA>C]TGAAGCTCAAAGCGGAAAAGAAAGGTGAGGCCACTCTCAACTTGGGAGCCAAAATGGGCA-3'

ClinVar aggregate classification (germline): Pathogenic (1 of 4 stars; one submission).

Conditions:
Isovaleryl-CoA dehydrogenase deficiency (IVA). Also called: ISOVALERIC ACID CoA DEHYDROGENASE DEFICIENCY; Isovaleric acidemia; IVD DEFICIENCY; Classic Isovaleric Acidemia. Identifiers: Orphanet 33, MedGen C0268575, MONDO:0009475, OMIM 243500.

Submission:

Myriad Genetics, Inc.
Classification: Pathogenic for Isovaleryl-CoA dehydrogenase deficiency. Last evaluated: 2024-11-13. Review status: criteria provided, single submitter. Criteria: Myriad Autosomal Dominant, Autosomal Recessive and X-Linked Classification Criteria (2023). Collection method: clinical testing. Allele origin: unknown.
Comment: NM_002225.3(IVD):c.535_536delAT(M179Efs*22) is expected to be pathogenic in the context of isovaleric acidemia. This variant is predicted to lead to an abnormal or absent protein product due to the creation of a premature termination codon in IVD, a gene where loss-of-function variants are known to be pathogenic. Please note: this variant was assessed in the context of healthy population screening.